The following is an entry in ClinVar:

NM_198525.3(KIF7):c.2469G>C (p.Glu823Asp)

Gene: KIF7 (kinesin family member 7; minus strand). Cytogenetic location: 15q26.1.
Variant type: single nucleotide variant.
Coding change: c.2469G>C on transcript NM_198525.3 (MANE Select); coding-DNA position 2469, G replaced by C.
Protein change: p.Glu823Asp; replaces glutamic acid 823 with aspartic acid.
Molecular consequence: missense variant.
Genome position (GRCh38, 1-based): chr15:89,633,809, C>G on the plus strand (G>C on the coding strand, the complement: KIF7 is on the minus strand). VCF-style: chr15-89633809-C-G. GRCh37 (hg19) VCF-style: chr15-90177040-C-G.
Other names: short protein forms E823D.
Identifiers: ClinVar variation 1440416 (VCV001440416.8), dbSNP rs1403464053, ClinGen allele CA393759897.
Genomic context (GRCh38, chr15:89,633,809, plus strand): 5'-GCGAAGCCGCCTCTGCAGCTGTCCCTGCTGCTGCCGCATGAGCTGCACGTTCCGCTCGAG[C>G]TCCTGCAGTCGCTTCTCACTCTGGGCCGACAGTGACACCAGCCGCTCCGTAGCCTGCTTC-3'
Protein context (NP_940927.2, residues 813-833): LSAQSEKRLQ[Glu823Asp]LERNVQLMRQ

ClinVar aggregate classification (germline): Uncertain significance (1 of 4 stars; one submission).

Conditions:
Acrocallosal syndrome (ACLS). Also called: HALLUX DUPLICATION, POSTAXIAL POLYDACTYLY, AND ABSENCE OF CORPUS CALLOSUM; Schinzel syndrome 1; Absence of corpus callosum with unusual facial appearance, mental deficiency, duplication of the halluces and polydactyly. Identifiers: Orphanet 36, MedGen C0796147, MONDO:0008708, OMIM 200990.

Submission:

Labcorp Genetics (formerly Invitae), Labcorp
Classification: Uncertain significance for Acrocallosal syndrome. Last evaluated: 2024-04-10. Review status: criteria provided, single submitter. Criteria: Invitae Variant Classification Sherloc (09022015). Collection method: clinical testing. Allele origin: germline.
Comment: This sequence change replaces glutamic acid, which is acidic and polar, with aspartic acid, which is acidic and polar, at codon 823 of the KIF7 protein (p.Glu823Asp). This variant is present in population databases (no rsID available, gnomAD 0.006%). This variant has not been reported in the literature in individuals affected with KIF7-related conditions. ClinVar contains an entry for this variant (Variation ID: 1440416). Advanced modeling of protein sequence and biophysical properties (such as structural, functional, and spatial information, amino acid conservation, physicochemical variation, residue mobility, and thermodynamic stability) performed at Invitae indicates that this missense variant is not expected to disrupt KIF7 protein function with a negative predictive value of 80%. In summary, the available evidence is currently insufficient to determine the role of this variant in disease. Therefore, it has been classified as a Variant of Uncertain Significance.